The following is an entry in ClinVar:

ClinVar aggregate classification (germline): Benign/Likely benign. Review status: criteria provided, multiple submitters, no conflicts (2 of 4 stars). 3 submissions from 3 submitters: Benign (1); Likely benign (2). Last evaluated 2025-06-16.

Conditions:
Breast-ovarian cancer, familial, susceptibility to, 3. Also called: RAD51C-Related Breast/Ovarian Cancer. Identifiers: Orphanet 145, MedGen C3150659, MONDO:0013253, OMIM 613399.
Fanconi anemia complementation group O. Also called: RAD51C-Related Fanconi Anemia. Identifiers: Orphanet 84, MedGen C3150653, MONDO:0013248, OMIM 613390.

Submissions (3):

Labcorp Genetics (formerly Invitae), Labcorp
Classification: Benign for Fanconi anemia complementation group O. Last evaluated: 2025-06-16. Review status: criteria provided, single submitter. Criteria: Invitae Variant Classification Sherloc (09022015). Collection method: clinical testing. Allele origin: germline.

Myriad Genetics, Inc.
Classification: Likely benign for Breast-ovarian cancer, familial, susceptibility to, 3. Last evaluated: 2025-02-19. Review status: criteria provided, single submitter. Criteria: Myriad Autosomal Dominant, Autosomal Recessive and X-Linked Classification Criteria (2023). Collection method: clinical testing. Allele origin: unknown.
Comment: This variant is considered likely benign. This variant is intronic and is not expected to impact mRNA splicing.

GeneDx
Classification: Likely benign. Last evaluated: 2016-01-04. Review status: criteria provided, single submitter. Criteria: GeneDx Variant Classification (06012015). Collection method: clinical testing. Allele origin: germline. Affected: yes.
Comment: This variant is considered likely benign or benign based on one or more of the following criteria: it is a conservative change, it occurs at a poorly conserved position in the protein, it is predicted to be benign by multiple in silico algorithms, and/or has population frequency not consistent with disease.

NM_058216.3(RAD51C):c.1027-10del

Gene: RAD51C (RAD51 paralog C; plus strand). Cytogenetic location: 17q22.
Variant type: Deletion.
Coding change: c.1027-10del on transcript NM_058216.3 (MANE Select); 10 bases into the intron before coding-DNA position 1027, one base deleted (T; older notation c.1027-10delT).
Molecular consequence: intron variant.
Genome position (GRCh38, 1-based): chr17:58,734,108, T deleted; the last of 6 consecutive T bases (chr17:58,734,103-58,734,108); deleting any one gives the same sequence. VCF-style (leftmost placement, unchanged base first): chr17-58734102-AT-A. GRCh37 (hg19) VCF-style: chr17-56811463-AT-A.
Other names: c.1027-10del (LRG_314t1); c.1027-10delT (NM_058216.1).
Identifiers: ClinVar variation 420330 (VCV000420330.5), dbSNP rs768715761, ClinGen allele CA16620505.
Genomic context (GRCh38, chr17:58,734,102, plus strand): 5'-TTACTTAAAAATATTTCTAAGATCAGTCTTCAAATGTTCTTAAAGCATATTTGTATATAT[AT>A]TTTTTATCTTTCAGCCTCAGGGATTTAGAGATACTGTTGTTACTTCTGCATGTTCATTGC-3'